The following is an entry in ClinVar:

ClinVar aggregate classification (germline): Conflicting classifications of pathogenicity. Review status: criteria provided, conflicting classifications (1 of 4 stars). 4 submissions from 4 submitters: Uncertain significance (2); Likely benign (1). 1 of the submissions does not count toward it. Last evaluated 2025-01-13.

Conditions:
Hereditary breast ovarian cancer syndrome. Also called: Hereditary breast and ovarian cancer syndrome (HBOC); Hereditary breast and/or ovarian cancer syndrome; Hereditary breast and ovarian cancer; Hereditary breast and ovarian cancer syndrome; BRCA1- and BRCA2-Associated Hereditary Breast and Ovarian Cancer; Breast and ovarian cancer. Identifiers: Orphanet 145, MedGen C0677776, MeSH D061325, MONDO:0003582. Disease mechanism: loss of function.
Breast-ovarian cancer, familial, susceptibility to, 2 (BROVCA2). Also called: BRCA2 Hereditary Breast and Ovarian Cancer. Identifiers: Orphanet 145, MedGen C2675520, MONDO:0012933, OMIM 612555. Disease mechanism: loss of function.
Hereditary cancer-predisposing syndrome. Also called: Hereditary neoplastic syndrome; Tumor predisposition; Neoplastic Syndromes, Hereditary; Hereditary Cancer Syndrome. Identifiers: Orphanet 140162, MedGen C0027672, MeSH D009386, MONDO:0015356.

Allele frequency attached by ClinVar (database versions not stated): gnomAD exomes below 0.00001.
gnomAD v4.1: 1 of 1,601,776 alleles (0.000062%); no homozygotes.

Submissions (4):

Ambry Genetics
Classification: Uncertain significance for Hereditary cancer-predisposing syndrome. Last evaluated: 2025-01-13. Review status: criteria provided, single submitter. Criteria: Ambry Variant Classification Scheme 2023. Collection method: clinical testing. Allele origin: germline.
Comment: The p.H640N variant (also known as c.1918C>A), located in coding exon 10 of the BRCA2 gene, results from a C to A substitution at nucleotide position 1918. The histidine at codon 640 is replaced by asparagine, an amino acid with similar properties. This amino acid position is conserved. In addition, this alteration is predicted to be tolerated by in silico analysis. Since supporting evidence is limited at this time, the clinical significance of this alteration remains unclear.

University of Washington Department of Laboratory Medicine, University of Washington
Classification: Likely benign for Hereditary cancer-predisposing syndrome. Last evaluated: 2023-03-23. Review status: criteria provided, single submitter. Criteria: Dines et al. (Genet Med. 2020). Collection method: curation. Allele origin: germline.
Comment: Missense variant in a coldspot region where missense variants are very unlikely to be pathogenic (PMID:31911673).

BRCA2 exon 11 coldspot. Reclassification based on statistical prior probability.

Labcorp Genetics (formerly Invitae), Labcorp
Classification: Uncertain significance for Hereditary breast ovarian cancer syndrome. Last evaluated: 2020-01-15. Review status: criteria provided, single submitter. Criteria: Invitae Variant Classification Sherloc (09022015). Collection method: clinical testing. Allele origin: germline.
Comment: In summary, the available evidence is currently insufficient to determine the role of this variant in disease. Therefore, it has been classified as a Variant of Uncertain Significance. Algorithms developed to predict the effect of missense changes on protein structure and function (SIFT, PolyPhen-2, Align-GVGD) all suggest that this variant is likely to be tolerated, but these predictions have not been confirmed by published functional studies and their clinical significance is uncertain. This variant is not present in population databases (ExAC no frequency). This variant has not been reported in the literature in individuals with BRCA2-related conditions. This sequence change replaces histidine with asparagine at codon 640 of the BRCA2 protein (p.His640Asn). The histidine residue is weakly conserved and there is a small physicochemical difference between histidine and asparagine.

BRCAlab, Lund University
Classification: Uncertain significance for Breast-ovarian cancer, familial, susceptibility to, 2. Last evaluated: 2020-03-02. Review status: no assertion criteria provided. Collection method: clinical testing. Allele origin: germline. Affected: yes. Not counted in ClinVar's aggregate classification.

NM_000059.4(BRCA2):c.1918C>A (p.His640Asn)

Gene: BRCA2 (BRCA2 DNA repair associated; plus strand). Cytogenetic location: 13q13.1.
Variant type: single nucleotide variant.
Coding change: c.1918C>A on transcript NM_000059.4 (MANE Select); coding-DNA position 1918, C replaced by A.
Protein change: p.His640Asn; replaces histidine 640 with asparagine.
Molecular consequence: missense variant.
Genome position (GRCh38, 1-based): chr13:32,336,273, C>A. VCF-style: chr13-32336273-C-A. GRCh37 (hg19) VCF-style: chr13-32910410-C-A.
Other names: short protein forms H640N.
Identifiers: ClinVar variation 953616 (VCV000953616.15), dbSNP rs2072446918, ClinGen allele CA387768239.